The following is an entry in ClinVar:

ClinVar aggregate classification (germline): Uncertain significance. Review status: criteria provided, multiple submitters, no conflicts (2 of 4 stars). 2 submissions from 2 submitters: Uncertain significance (2). Last evaluated 2025-02-25.

Conditions:
Inborn genetic diseases. Identifiers: MedGen C0950123, MeSH D030342.

Submissions (2):

Ambry Genetics
Classification: Uncertain significance for Inborn genetic diseases. Last evaluated: 2025-02-25. Review status: criteria provided, single submitter. Criteria: Ambry Variant Classification Scheme 2023. Collection method: clinical testing. Allele origin: germline.

Labcorp Genetics (formerly Invitae), Labcorp
Classification: Uncertain significance. Last evaluated: 2022-08-27. Review status: criteria provided, single submitter. Criteria: Invitae Variant Classification Sherloc (09022015). Collection method: clinical testing. Allele origin: germline.
Comment: In summary, the available evidence is currently insufficient to determine the role of this variant in disease. Therefore, it has been classified as a Variant of Uncertain Significance. The frequency data for this variant in the population databases is considered unreliable, as metrics indicate insufficient coverage at this position in the gnomAD database. This variant has not been reported in the literature in individuals affected with NYX-related conditions. Algorithms developed to predict the effect of missense changes on protein structure and function (SIFT, PolyPhen-2, Align-GVGD) all suggest that this variant is likely to be tolerated. This sequence change replaces alanine, which is neutral and non-polar, with aspartic acid, which is acidic and polar, at codon 36 of the NYX protein (p.Ala36Asp).

NM_001378477.3(NYX):c.92C>A (p.Ala31Asp)

Gene: NYX (nyctalopin; plus strand). Cytogenetic location: Xp11.4.
Variant type: single nucleotide variant.
Coding change: c.92C>A on transcript NM_001378477.3 (MANE Select); coding-DNA position 92, C replaced by A.
Protein change: p.Ala31Asp; replaces alanine 31 with aspartic acid.
Molecular consequence: missense variant.
Genome position (GRCh38, 1-based): chrX:41,473,560, C>A. VCF-style: chrX-41473560-C-A. GRCh37 (hg19) VCF-style: chrX-41332813-C-A.
Other names: c.92C>A, p.Ala31Asp (NM_022567.3); c.107C>A (NM_022567.2); short protein forms A31D.
Identifiers: ClinVar variation 1926005 (VCV001926005.6), dbSNP rs2064371490, ClinGen allele CA412989386.